The following is an entry in ClinVar:

NM_006944.3(SPP2):c.602G>A (p.Arg201Gln)

Gene: SPP2 (secreted phosphoprotein 2; plus strand). Cytogenetic location: 2q37.1.
Variant type: single nucleotide variant.
Coding change: c.602G>A on transcript NM_006944.3 (MANE Select); coding-DNA position 602, G replaced by A.
Protein change: p.Arg201Gln; replaces arginine 201 with glutamine.
Molecular consequence: missense variant.
Genome position (GRCh38, 1-based): chr2:234,069,979, G>A. VCF-style: chr2-234069979-G-A. GRCh37 (hg19) VCF-style: chr2-234978623-G-A.
Other names: short protein forms R201Q.
Identifiers: ClinVar variation 960324 (VCV000960324.10), dbSNP rs201364588, ClinGen allele CA2183280.

ClinVar aggregate classification (germline): Conflicting classifications of pathogenicity. Review status: criteria provided, conflicting classifications (1 of 4 stars). 3 submissions from 3 submitters: Uncertain significance (1); Likely benign (2). Last evaluated 2025-10-16.

Allele frequency attached by ClinVar (database versions not stated): TOPMed 0.00006; ESP Exome Variant Server 0.00015.

Submissions (3):

Labcorp Genetics (formerly Invitae), Labcorp
Classification: Uncertain significance. Last evaluated: 2025-10-16. Review status: criteria provided, single submitter. Criteria: Invitae Variant Classification Sherloc (09022015). Collection method: clinical testing. Allele origin: germline.
Comment: This sequence change replaces arginine, which is basic and polar, with glutamine, which is neutral and polar, at codon 201 of the SPP2 protein (p.Arg201Gln). This variant is present in population databases (rs201364588, gnomAD 0.05%). This variant has not been reported in the literature in individuals affected with SPP2-related conditions. ClinVar contains an entry for this variant (Variation ID: 960324). An algorithm developed to predict the effect of missense changes on protein structure and function outputs the following: PolyPhen-2: "Benign". The glutamine amino acid residue is found in multiple mammalian species, which suggests that this missense change does not adversely affect protein function. In summary, the available evidence is currently insufficient to determine the role of this variant in disease. Therefore, it has been classified as a Variant of Uncertain Significance.

Blueprint Genetics
Classification: Likely benign. Last evaluated: 2023-08-01. Review status: criteria provided, single submitter. Criteria: ACMG Guidelines, 2015. Collection method: clinical testing. Allele origin: germline.

Ambry Genetics
Classification: Likely benign. Last evaluated: 2022-05-27. Review status: criteria provided, single submitter. Criteria: Ambry Variant Classification Scheme 2023. Collection method: clinical testing. Allele origin: germline.